The following is an entry in ClinVar:

ClinVar aggregate classification (germline): Likely benign. Review status: criteria provided, multiple submitters, no conflicts (2 of 4 stars). 2 submissions from 2 submitters: Likely benign (2). Last evaluated 2018-06-16.

Allele frequency attached by ClinVar (database versions not stated): 1000 Genomes Project 30x 0.00874; 1000 Genomes Project 0.00879; TOPMed 0.01885; gnomAD 0.01966 and 0.02047.
gnomAD v4.1: 31,663 of 1,475,634 alleles (2.1%); highest among the groups gnomAD compares: Middle Eastern, 3.1%; 475 homozygotes.

Submissions (2):

GeneDx
Classification: Likely benign. Last evaluated: 2018-06-16. Review status: criteria provided, single submitter. Criteria: GeneDx Variant Classification (06012015). Collection method: clinical testing. Allele origin: germline. Affected: yes.
Comment: This variant is considered likely benign or benign based on one or more of the following criteria: it is a conservative change, it occurs at a poorly conserved position in the protein, it is predicted to be benign by multiple in silico algorithms, and/or has population frequency not consistent with disease.

Breakthrough Genomics
Classification: Likely benign. Review status: criteria provided, single submitter. Criteria: ACMG Guidelines, 2015. Collection method: not provided. Allele origin: germline. Inheritance: Autosomal recessive inheritance. Affected: yes.

NM_001042545.2(LTBP4):c.2681-107C>T

Gene: LTBP4 (latent transforming growth factor beta binding protein 4; plus strand). Cytogenetic location: 19q13.2.
Variant type: single nucleotide variant.
Coding change: c.2681-107C>T on transcript NM_001042545.2 (MANE Select); 107 bases into the intron before coding-DNA position 2681, C replaced by T.
Molecular consequence: intron variant.
Genome position (GRCh38, 1-based): chr19:40,614,208, C>T. VCF-style: chr19-40614208-C-T. GRCh37 (hg19) VCF-style: chr19-41120114-C-T.
Other names: c.2771-107C>T (NM_003573.2); c.2882-107C>T (NM_001042544.1).
Identifiers: ClinVar variation 679562 (VCV000679562.2), dbSNP rs116906234, ClinGen allele CA14689481.